The following is an entry in ClinVar:

ClinVar aggregate classification (germline): Uncertain significance (1 of 4 stars; one submission).

Conditions:
Emery-Dreifuss muscular dystrophy 5, autosomal dominant (EDMD5). Also called: EMERY-DREIFUSS MUSCULAR DYSTROPHY 5. Identifiers: Orphanet 261, MedGen C2751805, MONDO:0013072, OMIM 612999.

Allele frequency attached by ClinVar (database versions not stated): gnomAD exomes below 0.00001.
gnomAD v4.1: 1 of 1,614,120 alleles (0.000062%); highest among the groups gnomAD compares: East Asian, 0.0022%; no homozygotes.

Submission:

Labcorp Genetics (formerly Invitae), Labcorp
Classification: Uncertain significance for Emery-Dreifuss muscular dystrophy 5, autosomal dominant. Last evaluated: 2019-05-25. Review status: criteria provided, single submitter. Criteria: Invitae Variant Classification Sherloc (09022015). Collection method: clinical testing. Allele origin: germline.
Comment: Algorithms developed to predict the effect of missense changes on protein structure and function output the following: SIFT: "Tolerated"; PolyPhen-2: "Benign"; Align-GVGD: "Class C0". The valine amino acid residue is found in multiple mammalian species, suggesting that this missense change does not adversely affect protein function. These predictions have not been confirmed by published functional studies and their clinical significance is uncertain. In summary, the available evidence is currently insufficient to determine the role of this variant in disease. Therefore, it has been classified as a Variant of Uncertain Significance. This sequence change replaces methionine with valine at codon 4109 of the SYNE2 protein (p.Met4109Val). The methionine residue is weakly conserved and there is a small physicochemical difference between methionine and valine. This variant is not present in population databases (ExAC no frequency). This variant has not been reported in the literature in individuals with SYNE2-related disease.

NM_182914.3(SYNE2):c.12325A>G (p.Met4109Val)

Gene: SYNE2 (spectrin repeat containing nuclear envelope protein 2; plus strand). Cytogenetic location: 14q23.2.
Variant type: single nucleotide variant.
Coding change: c.12325A>G on transcript NM_182914.3 (MANE Select); coding-DNA position 12325, A replaced by G.
Protein change: p.Met4109Val; replaces methionine 4109 with valine.
Molecular consequence: missense variant.
Genome position (GRCh38, 1-based): chr14:64,098,765, A>G. VCF-style: chr14-64098765-A-G. GRCh37 (hg19) VCF-style: chr14-64565483-A-G.
Other names: c.12325A>G, p.Met4109Val (NM_015180.6); short protein forms M4109V.
Identifiers: ClinVar variation 570630 (VCV000570630.10), dbSNP rs1296085055, ClinGen allele CA389953181.